The following is an entry in ClinVar:

NM_006254.4(PRKCD):c.1022G>A (p.Ser341Asn)

Gene: PRKCD (protein kinase C delta; plus strand). Cytogenetic location: 3p21.1.
Variant type: single nucleotide variant.
Coding change: c.1022G>A on transcript NM_006254.4 (MANE Select); coding-DNA position 1022, G replaced by A.
Protein change: p.Ser341Asn; replaces serine 341 with asparagine.
Molecular consequence: missense variant.
Genome position (GRCh38, 1-based): chr3:53,185,963, G>A. VCF-style: chr3-53185963-G-A. GRCh37 (hg19) VCF-style: chr3-53219979-G-A.
Other names: c.1022G>A (NM_006254.3); c.1022G>A, p.Ser341Asn (NM_001354680.2, NM_212539.2, NM_001316327.2 and 1 more transcripts); c.1079G>A, p.Ser360Asn (NM_001354676.2); c.1070G>A, p.Ser357Asn (NM_001354678.2); short protein forms S341N, S357N, S360N.
Identifiers: ClinVar variation 3682568 (VCV003682568.3).

ClinVar aggregate classification (germline): Uncertain significance. Review status: criteria provided, multiple submitters, no conflicts (2 of 4 stars). 2 submissions from 2 submitters: Uncertain significance (2). Last evaluated 2025-11-11.

Conditions:
Autoimmune lymphoproliferative syndrome, type III caused by mutation in PRKCD. Identifiers: Orphanet 3261, Orphanet 664711, MedGen C3809928, MONDO:8000024, OMIM 615559.
Inborn genetic diseases. Identifiers: MedGen C0950123, MeSH D030342.

gnomAD v4.1: 2 of 1,614,240 alleles (0.00012%); highest among the groups gnomAD compares: East Asian, 0.0022%; no homozygotes.

Submissions (2):

Labcorp Genetics (formerly Invitae), Labcorp
Classification: Uncertain significance for Autoimmune lymphoproliferative syndrome, type III caused by mutation in PRKCD. Last evaluated: 2025-11-11. Review status: criteria provided, single submitter. Criteria: Invitae Variant Classification Sherloc (09022015). Collection method: clinical testing. Allele origin: germline.
Comment: This sequence change replaces serine, which is neutral and polar, with asparagine, which is neutral and polar, at codon 341 of the PRKCD protein (p.Ser341Asn). This variant is not present in population databases (gnomAD no frequency). This variant has not been reported in the literature in individuals affected with PRKCD-related conditions. ClinVar contains an entry for this variant (Variation ID: 3682568). An algorithm developed to predict the effect of missense changes on protein structure and function (PolyPhen-2) suggests that this variant is likely to be tolerated. In summary, the available evidence is currently insufficient to determine the role of this variant in disease. Therefore, it has been classified as a Variant of Uncertain Significance.

Ambry Genetics
Classification: Uncertain significance for Inborn genetic diseases. Last evaluated: 2025-09-09. Review status: criteria provided, single submitter. Criteria: Ambry Variant Classification Scheme 2023. Collection method: clinical testing. Allele origin: germline.